The following is an entry in ClinVar:

ClinVar aggregate classification (germline): Uncertain significance (1 of 4 stars; one submission).

Allele frequency attached by ClinVar (database versions not stated): gnomAD exomes below 0.00001; ExAC 0.00001; TOPMed 0.00001; ESP Exome Variant Server 0.00008.
gnomAD v4.1: 2 of 1,614,204 alleles (0.00012%); highest among the groups gnomAD compares: Admixed American, 0.0017%; no homozygotes.

Submission:

Labcorp Genetics (formerly Invitae), Labcorp
Classification: Uncertain significance. Last evaluated: 2022-10-21. Review status: criteria provided, single submitter. Criteria: Invitae Variant Classification Sherloc (09022015). Collection method: clinical testing. Allele origin: germline.
Comment: In summary, the available evidence is currently insufficient to determine the role of this variant in disease. Therefore, it has been classified as a Variant of Uncertain Significance. Algorithms developed to predict the effect of missense changes on protein structure and function (SIFT, PolyPhen-2, Align-GVGD) all suggest that this variant is likely to be disruptive. This variant has not been reported in the literature in individuals affected with SRCAP-related conditions. This variant is present in population databases (rs369102676, gnomAD 0.003%). This sequence change replaces asparagine, which is neutral and polar, with serine, which is neutral and polar, at codon 2272 of the SRCAP protein (p.Asn2272Ser).

NM_006662.3(SRCAP):c.6815A>G (p.Asn2272Ser)

Gene: SRCAP (Snf2 related CREBBP activator protein; plus strand). Cytogenetic location: 16p11.2.
Variant type: single nucleotide variant.
Coding change: c.6815A>G on transcript NM_006662.3 (MANE Select); coding-DNA position 6815, A replaced by G.
Protein change: p.Asn2272Ser; replaces asparagine 2272 with serine.
Molecular consequence: missense variant.
Genome position (GRCh38, 1-based): chr16:30,736,285, A>G. VCF-style: chr16-30736285-A-G. GRCh37 (hg19) VCF-style: chr16-30747606-A-G.
Other names: short protein forms N2272S.
Identifiers: ClinVar variation 1960841 (VCV001960841.4), dbSNP rs369102676, ClinGen allele CA8012342.